The following is an entry in ClinVar:

NM_004484.4(GPC3):c.1574-3C>A

Gene: GPC3 (glypican 3; minus strand). Cytogenetic location: Xq26.2.
Variant type: single nucleotide variant.
Coding change: c.1574-3C>A on transcript NM_004484.4 (MANE Select); 3 bases into the intron before coding-DNA position 1574, C replaced by A.
Molecular consequence: intron variant.
Genome position (GRCh38, 1-based): chrX:133,536,296, G>T on the plus strand (C>A on the coding strand, the complement: GPC3 is on the minus strand). VCF-style: chrX-133536296-G-T. GRCh37 (hg19) VCF-style: chrX-132670324-G-T.
Other names: c.1412-3C>A (NM_001164619.2); c.1526-3C>A (NM_001164618.2); c.1643-3C>A (NM_001164617.2).
Identifiers: ClinVar variation 2044643 (VCV002044643.4), dbSNP rs2520464401, ClinGen allele CA2580101539.
Genomic context (GRCh38, chrX:133,536,296, plus strand): 5'-GGAGTTGCCTGCTGACTGTTTCCAGGCGCATCATCCACATCCAGATCATAGGCCAGTTCT[G>T]TCAATCAAAAGAGAAGGATTTGAAATGCAAGTCTACCCATAGCCTCAGTATAACACTATG-3'

ClinVar aggregate classification (germline): Uncertain significance (1 of 4 stars; one submission).

Conditions:
Wilms tumor 1 (WT1). Also called: Wilms tumor, somatic. Identifiers: Orphanet 654, MedGen CN033288, MONDO:0008679, OMIM 194070.

Submission:

Labcorp Genetics (formerly Invitae), Labcorp
Classification: Uncertain significance for Wilms tumor 1. Last evaluated: 2025-07-30. Review status: criteria provided, single submitter. Criteria: Invitae Variant Classification Sherloc (09022015). Collection method: clinical testing. Allele origin: germline.
Comment: This sequence change falls in intron 7 of the GPC3 gene. It does not directly change the encoded amino acid sequence of the GPC3 protein. It affects a nucleotide within the consensus splice site. This variant is not present in population databases (gnomAD no frequency). This variant has not been reported in the literature in individuals affected with GPC3-related conditions. ClinVar contains an entry for this variant (Variation ID: 2044643). Variants that disrupt the consensus splice site are a relatively common cause of aberrant splicing (PMID: 17576681, 9536098). Algorithms developed to predict the effect of sequence changes on RNA splicing suggest that this variant is not likely to affect RNA splicing. In summary, the available evidence is currently insufficient to determine the role of this variant in disease. Therefore, it has been classified as a Variant of Uncertain Significance.

Literature cited by the submitters: PubMed 17576681; PubMed 9536098.